The following is an entry in ClinVar:

NM_005720.4(ARPC1B):c.42C>T (p.His14=)

Gene: ARPC1B (actin related protein 2/3 complex subunit 1B; plus strand). Cytogenetic location: 7q22.1.
Variant type: single nucleotide variant.
Coding change: c.42C>T on transcript NM_005720.4 (MANE Select); coding-DNA position 42, C replaced by T.
Protein change: p.His14=; no amino-acid change (histidine 14 retained).
Molecular consequence: synonymous variant.
Genome position (GRCh38, 1-based): chr7:99,385,756, C>T. VCF-style: chr7-99385756-C-T. GRCh37 (hg19) VCF-style: chr7-98983379-C-T.
Other names: c.42C>T (NM_005720.3).
Identifiers: ClinVar variation 2984556 (VCV002984556.5), dbSNP rs767480160, ClinGen allele CA4363856.
Genomic context (GRCh38, chr7:99,385,756, plus strand): 5'-GCACAGGAGCCAAGCCGCCATGGCCTACCACAGCTTCCTGGTGGAGCCCATCAGCTGCCA[C>T]GCCTGGAACAAGGACCGCACCCGTGAGTGCTTGCTGGGGGCCGGTGGGTGGCTGCTTCCA-3'
Protein context (NP_005711.1, residues 4-24): HSFLVEPISC[His14=]AWNKDRTQIA

ClinVar aggregate classification (germline): Likely benign. Review status: criteria provided, single submitter (1 of 4 stars). 2 submissions from 2 submitters: Likely benign (1). 1 of the submissions does not count toward it. Last evaluated 2023-10-05.

Conditions:
ARPC1B-related disorder. Also called: ARPC1B-related condition.

Allele frequency attached by ClinVar (database versions not stated): TOPMed below 0.00001; gnomAD 0.00001; gnomAD exomes 0.00001; ExAC 0.00005.
gnomAD v4.1: 21 of 1,610,848 alleles (0.0013%); highest among the groups gnomAD compares: Middle Eastern, 0.016%; no homozygotes.

Submissions (2):

Labcorp Genetics (formerly Invitae), Labcorp
Classification: Likely benign. Last evaluated: 2023-10-05. Review status: criteria provided, single submitter. Criteria: Invitae Variant Classification Sherloc (09022015). Collection method: clinical testing. Allele origin: germline.

PreventionGenetics, part of Exact Sciences
Classification: Likely benign for ARPC1B-related condition. Last evaluated: 2022-08-31. Review status: no assertion criteria provided. Collection method: clinical testing. Allele origin: germline. Not counted in ClinVar's aggregate classification.
Comment: This variant is classified as likely benign based on ACMG/AMP sequence variant interpretation guidelines (Richards et al. 2015 PMID: 25741868, with internal and published modifications).